The following is an entry in ClinVar:

ClinVar aggregate classification (germline): Uncertain significance (1 of 4 stars; one submission).

Conditions:
MHC class I deficiency. Identifiers: Orphanet 34592, MedGen C6024714, MONDO:0011476.

Submission:

Labcorp Genetics (formerly Invitae), Labcorp
Classification: Uncertain significance for MHC class I deficiency 1. Last evaluated: 2024-08-12. Review status: criteria provided, single submitter. Criteria: Invitae Variant Classification Sherloc (09022015). Collection method: clinical testing. Allele origin: germline.
Comment: This sequence change replaces threonine, which is neutral and polar, with alanine, which is neutral and non-polar, at codon 244 of the TAP2 protein (p.Thr244Ala). This variant is not present in population databases (gnomAD no frequency). This variant has not been reported in the literature in individuals affected with TAP2-related conditions. ClinVar contains an entry for this variant (Variation ID: 2093409). Experimental studies and prediction algorithms are not available or were not evaluated, and the functional significance of this variant is currently unknown. In summary, the available evidence is currently insufficient to determine the role of this variant in disease. Therefore, it has been classified as a Variant of Uncertain Significance.

NM_001290043.2(TAP2):c.730A>G (p.Thr244Ala)

Genes: TAP2 (transporter 2, ATP binding cassette subfamily B member; minus strand), LOC107648851 (meiotic recombination hotspot TAP2; plus strand). Cytogenetic location: 6p21.32.
Variant type: single nucleotide variant.
Coding change: c.730A>G on transcript NM_001290043.2 (MANE Select); coding-DNA position 730, A replaced by G.
Protein change: p.Thr244Ala; replaces threonine 244 with alanine.
Molecular consequence: missense variant.
Genome position (GRCh38, 1-based): chr6:32,835,652, T>C on the plus strand (A>G on the coding strand, the complement: TAP2 is on the minus strand). VCF-style: chr6-32835652-T-C. GRCh37 (hg19) VCF-style: chr6-32803429-T-C.
Other names: c.730A>G, p.Thr244Ala (NM_000544.3, NM_018833.3); short protein forms T244A.
Identifiers: ClinVar variation 2093409 (VCV002093409.4), dbSNP rs756698219, ClinGen allele CA363585009.
Genomic context (GRCh38, chr6:32,835,652, plus strand): 5'-GAGGGGCAAGGGATGTCCATGGGAATCTCAGACCTGGACTCCAGGCCCCACCTGTCTTAG[T>C]CTCCTGGAAGAAACCGAGGTCCTGGCGCAGCAGGGAGGAGAAAAGCTGCTCCCGGATCCG-3'
Protein context (NP_001276972.1, residues 234-254): LRQDLGFFQE[Thr244Ala]KTGELNSRLS